The following is an entry in ClinVar:

ClinVar aggregate classification (germline): Benign (1 of 4 stars; one submission).

Conditions:
Leigh syndrome (NULS). Also called: Leigh's necrotizing encephalopathy; Leigh's disease; Leigh's syndrome; LEIGH SYNDROME, NUCLEAR; Leigh Syndrome (mtDNA deletion); Leigh Disease. Identifiers: Orphanet 506, MedGen C2931891, MONDO:0009723, OMIM 256000.

Submission:

Wong Mito Lab, Molecular and Human Genetics, Baylor College of Medicine
Classification: Benign for Leigh syndrome. Last evaluated: 2019-10-17. Review status: criteria provided, single submitter. Criteria: Modified ACMG Guidelines (Unpublished). Collection method: clinical testing. Allele origin: germline.
Comment: The NC_012920.1:m.14198G>A (YP_003024037.1:p.Thr159Met) variant in MTND6 gene is interpretated to be a Benign variant based on the modified ACMG guidelines (unpublished). This variant meets the following evidence codes: BS1, BS2

NC_012920.1(MT-ND6):m.14198G>A

Gene: MT-ND6 (mitochondrially encoded NADH dehydrogenase 6; minus strand).
Variant type: single nucleotide variant.
Genome position: chrM-14198-G-A.
Identifiers: ClinVar variation 693688 (VCV000693688.1), dbSNP rs1603224596, ClinGen allele CA414821347.